The following is an entry in ClinVar:

ClinVar aggregate classification (germline): Uncertain significance (1 of 4 stars; one submission).

Allele frequency attached by ClinVar (database versions not stated): gnomAD 0.00001; TOPMed 0.00001.
gnomAD v4.1: 3 of 1,571,076 alleles (0.00019%); highest among the groups gnomAD compares: Non-Finnish European, 0.00026%; no homozygotes.

Submission:

Labcorp Genetics (formerly Invitae), Labcorp
Classification: Uncertain significance. Last evaluated: 2023-12-23. Review status: criteria provided, single submitter. Criteria: Invitae Variant Classification Sherloc (09022015). Collection method: clinical testing. Allele origin: germline.
Comment: This sequence change replaces threonine, which is neutral and polar, with proline, which is neutral and non-polar, at codon 2890 of the DCHS1 protein (p.Thr2890Pro). This variant is not present in population databases (gnomAD no frequency). This variant has not been reported in the literature in individuals affected with DCHS1-related conditions. Advanced modeling of protein sequence and biophysical properties (such as structural, functional, and spatial information, amino acid conservation, physicochemical variation, residue mobility, and thermodynamic stability) performed at Invitae indicates that this missense variant is expected to disrupt DCHS1 protein function with a positive predictive value of 80%. In summary, the available evidence is currently insufficient to determine the role of this variant in disease. Therefore, it has been classified as a Variant of Uncertain Significance.

NM_003737.4(DCHS1):c.8668A>C (p.Thr2890Pro)

Gene: DCHS1 (dachsous cadherin-related 1; minus strand). Cytogenetic location: 11p15.4.
Variant type: single nucleotide variant.
Coding change: c.8668A>C on transcript NM_003737.4 (MANE Select); coding-DNA position 8668, A replaced by C.
Protein change: p.Thr2890Pro; replaces threonine 2890 with proline.
Molecular consequence: missense variant.
Genome position (GRCh38, 1-based): chr11:6,623,008, T>G on the plus strand (A>C on the coding strand, the complement: DCHS1 is on the minus strand). VCF-style: chr11-6623008-T-G. GRCh37 (hg19) VCF-style: chr11-6644239-T-G.
Other names: short protein forms T2890P.
Identifiers: ClinVar variation 3004057 (VCV003004057.3), dbSNP rs1325075101, ClinGen allele CA379480562.